The following is an entry in ClinVar:

ClinVar aggregate classification (germline): Uncertain significance (1 of 4 stars; one submission).

Submission:

Ambry Genetics
Classification: Uncertain significance. Last evaluated: 2021-06-23. Review status: criteria provided, single submitter. Criteria: Ambry Variant Classification Scheme 2023. Collection method: clinical testing. Allele origin: germline.
Comment: The p.D180V variant (also known as c.539A>T), located in coding exon 5 of the KIF1B gene, results from an A to T substitution at nucleotide position 539. The aspartic acid at codon 180 is replaced by valine, an amino acid with highly dissimilar properties. This amino acid position is conserved. In addition, this alteration is predicted to be deleterious by in silico analysis. Since supporting evidence is limited at this time, the clinical significance of this alteration remains unclear.

NM_001365951.3(KIF1B):c.539A>T (p.Asp180Val)

Gene: KIF1B (kinesin family member 1B; plus strand). Cytogenetic location: 1p36.22.
Variant type: single nucleotide variant.
Coding change: c.539A>T on transcript NM_001365951.3 (MANE Select); coding-DNA position 539, A replaced by T.
Protein change: p.Asp180Val; replaces aspartic acid 180 with valine.
Molecular consequence: missense variant.
Genome position (GRCh38, 1-based): chr1:10,267,489, A>T. VCF-style: chr1-10267489-A-T. GRCh37 (hg19) VCF-style: chr1-10327547-A-T.
Other names: c.539A>T, p.Asp180Val (NM_001365952.1, NM_001365953.1, NM_015074.3 and 1 more transcripts); short protein forms D180V.
Identifiers: ClinVar variation 1747266 (VCV001747266.2), dbSNP rs2521042550, ClinGen allele CA338329607.